The following is an entry in ClinVar:

NM_000053.4(ATP7B):c.3061-1G>A

Gene: ATP7B (ATPase copper transporting beta; minus strand). Cytogenetic location: 13q14.3.
Variant type: single nucleotide variant.
Coding change: c.3061-1G>A on transcript NM_000053.4 (MANE Select); the canonical splice acceptor site of the intron before coding-DNA position 3061, G replaced by A.
Molecular consequence: splice acceptor variant. On other transcripts: intron variant (2).
Genome position (GRCh38, 1-based): chr13:51,944,292, C>T on the plus strand (G>A on the coding strand, the complement: ATP7B is on the minus strand). VCF-style: chr13-51944292-C-T. GRCh37 (hg19) VCF-style: chr13-52518428-C-T.
Other names: c.2575-1G>A (NM_001406541.1, NM_001406542.1); c.2809-1G>A (NM_001406531.1, NM_001406532.1, NM_001330579.2); c.2827-1G>A (NM_001406527.1, NM_001406528.1, NM_001406538.1 and 1 more transcripts); c.2722-1G>A (NM_001406537.1); c.2917-1G>A (NM_001406521.1, NM_001406522.1, NM_001406520.1); c.3061-7G>A (NM_001406513.1); c.3061-1G>A (NM_001406511.1, NM_001406512.1, NM_001406526.1); c.2713-1G>A (NM_001406543.1); and 19 more.
Identifiers: ClinVar variation 1452404 (VCV001452404.13), dbSNP rs780955130, ClinGen allele CA6988815.

ClinVar aggregate classification (germline): Pathogenic. Review status: criteria provided, multiple submitters, no conflicts (2 of 4 stars). 7 submissions from 7 submitters: Pathogenic (7). Last evaluated 2026-07-13.

Conditions:
Wilson disease (WND). Also called: Wilson's disease. Identifiers: Orphanet 905, MedGen C0019202, MONDO:0010200, OMIM 277900. Disease mechanism: loss of function.

Allele frequency attached by ClinVar (database versions not stated): ExAC 0.00001.
gnomAD v4.1: 1 of 1,613,808 alleles (0.000062%); highest among the groups gnomAD compares: Non-Finnish European, 0.000085%; no homozygotes.

Submissions (7):

North East and Yorkshire NHS Genomic Laboratory Hub
Classification: Pathogenic for Wilson disease. Last evaluated: 2026-07-13. Review status: criteria provided, single submitter. Criteria: ACMG Guidelines, 2015. Collection method: clinical testing. Allele origin: germline. Inheritance: Unknown mechanism. Affected: yes.
Comment: 'PP4_MOD;PM2;PM3;PVS1_STR'

Natera, Inc.
Classification: Pathogenic for Wilson disease. Last evaluated: 2025-03-30. Review status: criteria provided, single submitter. Criteria: Natera Variant Classification Schema (03/2026). Collection method: clinical testing. Allele origin: germline.
Comment: The c.3061-1G>A variant in ATP7B is a canonical splice acceptor site variant predicted to affect pre-mRNA splicing, which may result in an abnormal transcript and altered protein product. This variant is expected to result in nonsense mediated decay, truncation, or a dysfunctional protein product. This variant is rare in the general population with a frequency below the threshold expected for the associated phenotype(s). This variant has been observed in one or more individuals affected with the associated recessive disease, as either homozygous or compound heterozygous with a second variant (PMID: 37737146). Given the available evidence, this variant is classified as Pathogenic.

Revvity Omics, Revvity
Classification: Pathogenic for Wilson disease. Last evaluated: 2025-01-21. Review status: criteria provided, single submitter. Criteria: ACMG Guidelines, 2015. Collection method: clinical testing. Allele origin: germline.

Laboratory for Molecular Medicine, Mass General Brigham Personalized Medicine
Classification: Pathogenic for Wilson disease. Last evaluated: 2023-02-02. Review status: criteria provided, single submitter. Criteria: ACMG Guidelines, 2015. Collection method: clinical testing. Allele origin: germline. Inheritance: Autosomal recessive inheritance.
Comment: The c.3061-1G>A variant in ATP7B has been reported in the homozygous state in 4 individuals and the heterozygous state without a second variant detailed in 3 individuals with Wilson disease (Dastsooz 2013, Loudianos 1996). It was absent from large population studies. This variant occurs within the canonical splice site (+/- 1,2) and is predicted to cause altered splicing leading to an abnormal or absent protein. Loss of function of the ATP7B gene is an established disease mechanism in autosomal recessive Wilson disease. In summary, although additional studies are required to fully establish its clinical significance, this variant meets criteria to be classified as likely pathogenic for autosomal recessive Wilson disease. ACMG/AMP criteria applied: PM3, PVS1_Strong, PM2_Supporting.

Women's Health and Genetics/Laboratory Corporation of America, LabCorp
Classification: Pathogenic for Wilson disease. Last evaluated: 2022-12-19. Review status: criteria provided, single submitter. Criteria: LabCorp Variant Classification Summary - May 2015. Collection method: clinical testing. Allele origin: germline.
Comment: Variant summary: ATP7B c.3061-1G>A is located in a canonical splice-site and is predicted to affect mRNA splicing resulting in a significantly altered protein due to either exon skipping, shortening, or inclusion of intronic material. Several computational tools predict a significant impact on normal splicing: Four predict the variant abolishes a 3' acceptor site. However, these predictions have yet to be confirmed by functional studies. The variant was absent in 246446 control chromosomes (gnomAD). c.3061-1G>A has been reported in the literature in multiple individuals affected with Wilson Disease (e.g. Dastsooz_2013, Loudianos_2016). These data indicate that the variant is very likely to be associated with disease. To our knowledge, no experimental evidence demonstrating an impact on protein function has been reported. A ClinVar submitter (evaluation after 2014) cites the variant as pathogenic. Based on the evidence outlined above, the variant was classified as pathogenic.

Baylor Genetics
Classification: Pathogenic for Wilson disease. Last evaluated: 2022-09-05. Review status: criteria provided, single submitter. Criteria: ACMG Guidelines, 2015. Collection method: clinical testing. Allele origin: unknown.

Labcorp Genetics (formerly Invitae), Labcorp
Classification: Pathogenic for Wilson disease. Last evaluated: 2022-06-13. Review status: criteria provided, single submitter. Criteria: Invitae Variant Classification Sherloc (09022015). Collection method: clinical testing. Allele origin: germline.
Comment: This sequence change affects an acceptor splice site in intron 13 of the ATP7B gene. It is expected to disrupt RNA splicing. Variants that disrupt the donor or acceptor splice site typically lead to a loss of protein function (PMID: 16199547), and loss-of-function variants in ATP7B are known to be pathogenic (PMID: 10441329, 16283883). For these reasons, this variant has been classified as Pathogenic. Algorithms developed to predict the effect of sequence changes on RNA splicing suggest that this variant may disrupt the consensus splice site. Disruption of this splice site has been observed in individuals with Wilson disease (PMID: 8931691, 22308153, 23159873). This variant is not present in population databases (gnomAD no frequency).

Literature cited by the submitters: PubMed 37737146 (cited by Natera, Inc.); PubMed 30363895 (cited by Laboratory for Molecular Medicine, Mass General Brigham Personalized Medicine); PubMed 30426382 (cited by Laboratory for Molecular Medicine, Mass General Brigham Personalized Medicine); PubMed 8931691 (cited by Laboratory for Molecular Medicine, Mass General Brigham Personalized Medicine and Labcorp Genetics (formerly Invitae), Labcorp); PubMed 22308153 (cited by Laboratory for Molecular Medicine, Mass General Brigham Personalized Medicine and Labcorp Genetics (formerly Invitae), Labcorp); PubMed 24003324 (cited by Laboratory for Molecular Medicine, Mass General Brigham Personalized Medicine and Women's Health and Genetics/Laboratory Corporation of America, LabCorp); PubMed 25199035 (cited by Women's Health and Genetics/Laboratory Corporation of America, LabCorp); PubMed 16199547 (cited by Labcorp Genetics (formerly Invitae), Labcorp); PubMed 10441329 (cited by Labcorp Genetics (formerly Invitae), Labcorp); PubMed 16283883 (cited by Labcorp Genetics (formerly Invitae), Labcorp); PubMed 23159873 (cited by Labcorp Genetics (formerly Invitae), Labcorp).